The following is an entry in ClinVar:

ClinVar aggregate classification (germline): Uncertain significance (1 of 4 stars; one submission).

Submission:

Labcorp Genetics (formerly Invitae), Labcorp
Classification: Uncertain significance. Last evaluated: 2022-08-03. Review status: criteria provided, single submitter. Criteria: Invitae Variant Classification Sherloc (09022015). Collection method: clinical testing. Allele origin: germline.
Comment: In summary, the available evidence is currently insufficient to determine the role of this variant in disease. Therefore, it has been classified as a Variant of Uncertain Significance. Algorithms developed to predict the effect of missense changes on protein structure and function (SIFT, PolyPhen-2, Align-GVGD) all suggest that this variant is likely to be tolerated. This variant has not been reported in the literature in individuals affected with SYT2-related conditions. This variant is not present in population databases (gnomAD no frequency). This sequence change replaces glycine, which is neutral and non-polar, with alanine, which is neutral and non-polar, at codon 35 of the SYT2 protein (p.Gly35Ala).

NM_177402.5(SYT2):c.104G>C (p.Gly35Ala)

Gene: SYT2 (synaptotagmin 2; minus strand). Cytogenetic location: 1q32.1.
Variant type: single nucleotide variant.
Coding change: c.104G>C on transcript NM_177402.5 (MANE Select); coding-DNA position 104, G replaced by C.
Protein change: p.Gly35Ala; replaces glycine 35 with alanine.
Molecular consequence: missense variant.
Genome position (GRCh38, 1-based): chr1:202,605,669, C>G on the plus strand (G>C on the coding strand, the complement: SYT2 is on the minus strand). VCF-style: chr1-202605669-C-G. GRCh37 (hg19) VCF-style: chr1-202574797-C-G.
Other names: c.104G>C, p.Gly35Ala (NM_001136504.1); short protein forms G35A.
Identifiers: ClinVar variation 2021371 (VCV002021371.4), dbSNP rs1690678430, ClinGen allele CA344259727.